The following is an entry in ClinVar:

NM_004260.4(RECQL4):c.3532G>T (p.Gly1178Trp)

Gene: RECQL4 (RecQ like helicase 4; minus strand). Cytogenetic location: 8q24.3.
Variant type: single nucleotide variant.
Coding change: c.3532G>T on transcript NM_004260.4 (MANE Select); coding-DNA position 3532, G replaced by T.
Protein change: p.Gly1178Trp; replaces glycine 1178 with tryptophan.
Molecular consequence: missense variant.
Genome position (GRCh38, 1-based): chr8:144,511,526, C>A on the plus strand (G>T on the coding strand, the complement: RECQL4 is on the minus strand). VCF-style: chr8-144511526-C-A. GRCh37 (hg19) VCF-style: chr8-145736909-C-A.
Other names: short protein forms G1178W.
Identifiers: ClinVar variation 650950 (VCV000650950.7), dbSNP rs776146178, ClinGen allele CA4947656.

ClinVar aggregate classification (germline): Uncertain significance (1 of 4 stars; one submission).

Conditions:
Baller-Gerold syndrome (BGS). Also called: CRANIOSYNOSTOSIS WITH RADIAL DEFECTS. Identifiers: Orphanet 1225, MedGen C0265308, MONDO:0009039, OMIM 218600.

Allele frequency attached by ClinVar (database versions not stated): TOPMed 0.00002.

Submission:

Labcorp Genetics (formerly Invitae), Labcorp
Classification: Uncertain significance for Baller-Gerold syndrome. Last evaluated: 2025-10-23. Review status: criteria provided, single submitter. Criteria: Invitae Variant Classification Sherloc (09022015). Collection method: clinical testing. Allele origin: germline.
Comment: This sequence change replaces glycine, which is neutral and non-polar, with tryptophan, which is neutral and slightly polar, at codon 1178 of the RECQL4 protein (p.Gly1178Trp). This variant is present in population databases (rs776146178, gnomAD 0.02%). This variant has not been reported in the literature in individuals affected with RECQL4-related conditions. ClinVar contains an entry for this variant (Variation ID: 650950). Invitae Evidence Modeling of protein sequence and biophysical properties (such as structural, functional, and spatial information, amino acid conservation, physicochemical variation, residue mobility, and thermodynamic stability) indicates that this missense variant is expected to disrupt RECQL4 protein function with a positive predictive value of 80%. In summary, the available evidence is currently insufficient to determine the role of this variant in disease. Therefore, it has been classified as a Variant of Uncertain Significance.